The following is an entry in ClinVar:

NM_016507.4(CDK12):c.794G>A (p.Ser265Asn)

Genes: CDK12 (cyclin dependent kinase 12; plus strand), LOC126862553 (CDK7 strongly-dependent group 2 enhancer GRCh37_chr17:37618166-37619365; plus strand). Cytogenetic location: 17q12.
Variant type: single nucleotide variant.
Coding change: c.794G>A on transcript NM_016507.4 (MANE Select); coding-DNA position 794, G replaced by A.
Protein change: p.Ser265Asn; replaces serine 265 with asparagine.
Molecular consequence: missense variant.
Genome position (GRCh38, 1-based): chr17:39,462,865, G>A. VCF-style: chr17-39462865-G-A. GRCh37 (hg19) VCF-style: chr17-37619118-G-A.
Other names: c.794G>A, p.Ser265Asn (NM_015083.4); short protein forms S265N.
Identifiers: ClinVar variation 3999556 (VCV003999556.1).

ClinVar aggregate classification (germline): Uncertain significance (1 of 4 stars; one submission).

gnomAD v4.1: 1 of 1,614,126 alleles (0.000062%); highest among the groups gnomAD compares: Non-Finnish European, 0.000085%; no homozygotes.

Submission:

Ambry Genetics
Classification: Uncertain significance. Last evaluated: 2025-06-13. Review status: criteria provided, single submitter. Criteria: Ambry Variant Classification Scheme 2023. Collection method: clinical testing. Allele origin: germline.
Comment: The p.S265N variant (also known as c.794G>A), located in coding exon 1 of the CDK12 gene, results from a G to A substitution at nucleotide position 794. The serine at codon 265 is replaced by asparagine, an amino acid with highly similar properties. This amino acid position is conserved. In addition, this alteration is predicted to be tolerated by in silico analysis. Based on the available evidence, the clinical significance of this variant remains unclear.